The following is an entry in ClinVar:

NM_001170629.2(CHD8):c.3425T>G (p.Leu1142Arg)

Gene: CHD8 (chromodomain helicase DNA binding protein 8; minus strand). Cytogenetic location: 14q11.2.
Variant type: single nucleotide variant.
Coding change: c.3425T>G on transcript NM_001170629.2 (MANE Select); coding-DNA position 3425, T replaced by G.
Protein change: p.Leu1142Arg; replaces leucine 1142 with arginine.
Molecular consequence: missense variant.
Genome position (GRCh38, 1-based): chr14:21,403,546, A>C on the plus strand (T>G on the coding strand, the complement: CHD8 is on the minus strand). VCF-style: chr14-21403546-A-C. GRCh37 (hg19) VCF-style: chr14-21871705-A-C.
Other names: c.2588T>G, p.Leu863Arg (NM_020920.4); short protein forms L1142R, L863R.
Identifiers: ClinVar variation 3368737 (VCV003368737.1).

ClinVar aggregate classification (germline): Uncertain significance (1 of 4 stars; one submission).

Submission:

GeneDx
Classification: Uncertain significance. Last evaluated: 2024-02-02. Review status: criteria provided, single submitter. Criteria: GeneDx Variant Classification Process June 2021. Collection method: clinical testing. Allele origin: germline. Affected: yes.
Comment: Not observed at significant frequency in large population cohorts (gnomAD); In silico analysis supports that this missense variant has a deleterious effect on protein structure/function; Has not been previously published as pathogenic or benign to our knowledge